The following is an entry in ClinVar:

ClinVar aggregate classification (germline): Uncertain significance. Review status: criteria provided, multiple submitters, no conflicts (2 of 4 stars). 2 submissions from 2 submitters: Uncertain significance (2). Last evaluated 2024-03-15.

Conditions:
Intellectual disability, autosomal recessive 53 (NEDHSCA). Also called: GLYCOSYLPHOSPHATIDYLINOSITOL BIOSYNTHESIS DEFECT 13; Mental retardation, autosomal recessive 53; NEURODEVELOPMENTAL DISORDER WITH OR WITHOUT HYPOTONIA, SEIZURES, AND CEREBELLAR ATROPHY. Identifiers: Orphanet 488635, MedGen C4310794, MONDO:0014832, OMIM 616917.
Inborn genetic diseases. Identifiers: MedGen C0950123, MeSH D030342.

Allele frequency attached by ClinVar (database versions not stated): gnomAD exomes below 0.00001 and 0.00001; TOPMed 0.00002.
gnomAD v4.1: 8 of 1,614,142 alleles (0.0005%); highest among the groups gnomAD compares: Non-Finnish European, 0.00051%; no homozygotes.

Submissions (2):

Ambry Genetics
Classification: Uncertain significance for Inborn genetic diseases. Last evaluated: 2024-03-15. Review status: criteria provided, single submitter. Criteria: Ambry Variant Classification Scheme 2023. Collection method: clinical testing. Allele origin: germline.

Labcorp Genetics (formerly Invitae), Labcorp
Classification: Uncertain significance for Intellectual disability, autosomal recessive 53. Last evaluated: 2023-11-27. Review status: criteria provided, single submitter. Criteria: Invitae Variant Classification Sherloc (09022015). Collection method: clinical testing. Allele origin: germline.
Comment: This sequence change replaces serine, which is neutral and polar, with proline, which is neutral and non-polar, at codon 717 of the PIGG protein (p.Ser717Pro). This variant is present in population databases (no rsID available, gnomAD 0.002%). This variant has not been reported in the literature in individuals affected with PIGG-related conditions. ClinVar contains an entry for this variant (Variation ID: 1385622). Advanced modeling of protein sequence and biophysical properties (such as structural, functional, and spatial information, amino acid conservation, physicochemical variation, residue mobility, and thermodynamic stability) performed at Invitae indicates that this missense variant is expected to disrupt PIGG protein function with a positive predictive value of 80%. In summary, the available evidence is currently insufficient to determine the role of this variant in disease. Therefore, it has been classified as a Variant of Uncertain Significance.

NM_001127178.3(PIGG):c.2149T>C (p.Ser717Pro)

Gene: PIGG (phosphatidylinositol glycan anchor biosynthesis class G (EMM blood group); plus strand). Cytogenetic location: 4p16.3.
Variant type: single nucleotide variant.
Coding change: c.2149T>C on transcript NM_001127178.3 (MANE Select); coding-DNA position 2149, T replaced by C.
Protein change: p.Ser717Pro; replaces serine 717 with proline.
Molecular consequence: missense variant. On other transcripts: non-coding transcript variant (10).
Genome position (GRCh38, 1-based): chr4:527,118, T>C. VCF-style: chr4-527118-T-C. GRCh37 (hg19) VCF-style: chr4-520907-T-C.
Other names: c.1882T>C, p.Ser628Pro (NM_001289051.2, NM_001345986.2); c.1750T>C, p.Ser584Pro (NM_001289052.2); c.1858T>C, p.Ser620Pro (NM_001345987.2); c.1120T>C, p.Ser374Pro (NM_001345988.2); c.616T>C, p.Ser206Pro (NM_001345990.2, NM_001345991.2); c.1051T>C, p.Ser351Pro (NM_001345994.2); c.2125T>C, p.Ser709Pro (NM_017733.5); c.2149T>C (NM_001127178.1); short protein forms S206P, S374P, S620P, S709P, S351P, S584P, S717P, S628P.
Identifiers: ClinVar variation 1385622 (VCV001385622.7), dbSNP rs1227312399, ClinGen allele CA355908596.